The following is an entry in ClinVar:

NM_001142800.2(EYS):c.4393G>A (p.Ala1465Thr)

Gene: EYS (eyes shut homolog; minus strand). Cytogenetic location: 6q12.
Variant type: single nucleotide variant.
Coding change: c.4393G>A on transcript NM_001142800.2 (MANE Select); coding-DNA position 4393, G replaced by A.
Protein change: p.Ala1465Thr; replaces alanine 1465 with threonine.
Molecular consequence: missense variant.
Genome position (GRCh38, 1-based): chr6:64,591,474, C>T on the plus strand (G>A on the coding strand, the complement: EYS is on the minus strand). VCF-style: chr6-64591474-C-T. GRCh37 (hg19) VCF-style: chr6-65301367-C-T.
Other names: c.4393G>A, p.Ala1465Thr (NM_001292009.2); c.4393G>A (NM_001142800.1); short protein forms A1465T.
Identifiers: ClinVar variation 1513026 (VCV001513026.4), dbSNP rs747921119, ClinGen allele CA140340950.

ClinVar aggregate classification (germline): Uncertain significance. Review status: criteria provided, multiple submitters, no conflicts (2 of 4 stars). 2 submissions from 2 submitters: Uncertain significance (2). Last evaluated 2024-07-10.

Conditions:
Inborn genetic diseases. Identifiers: MedGen C0950123, MeSH D030342.

Allele frequency attached by ClinVar (database versions not stated): 1000 Genomes Project 30x 0.00016.
gnomAD v4.1: 158 of 1,551,268 alleles (0.01%); highest among the groups gnomAD compares: Non-Finnish European, 0.014%; no homozygotes.

Submissions (2):

Ambry Genetics
Classification: Uncertain significance for Inborn genetic diseases. Last evaluated: 2024-07-10. Review status: criteria provided, single submitter. Criteria: Ambry Variant Classification Scheme 2023. Collection method: clinical testing. Allele origin: germline.

Labcorp Genetics (formerly Invitae), Labcorp
Classification: Uncertain significance. Last evaluated: 2022-09-06. Review status: criteria provided, single submitter. Criteria: Invitae Variant Classification Sherloc (09022015). Collection method: clinical testing. Allele origin: germline.
Comment: This sequence change replaces alanine, which is neutral and non-polar, with threonine, which is neutral and polar, at codon 1465 of the EYS protein (p.Ala1465Thr). This variant is present in population databases (rs747921119, gnomAD 0.006%). This variant has not been reported in the literature in individuals affected with EYS-related conditions. ClinVar contains an entry for this variant (Variation ID: 1513026). Algorithms developed to predict the effect of missense changes on protein structure and function output the following: SIFT: "Tolerated"; PolyPhen-2: "Benign"; Align-GVGD: "Class C0". The threonine amino acid residue is found in multiple mammalian species, which suggests that this missense change does not adversely affect protein function. In summary, the available evidence is currently insufficient to determine the role of this variant in disease. Therefore, it has been classified as a Variant of Uncertain Significance.